The following is an entry in ClinVar:

ClinVar aggregate classification (germline): Uncertain significance (1 of 4 stars; one submission).

gnomAD v4.1: 2 of 1,613,386 alleles (0.00012%); no homozygotes.

Submission:

Labcorp Genetics (formerly Invitae), Labcorp
Classification: Uncertain significance. Last evaluated: 2025-10-01. Review status: criteria provided, single submitter. Criteria: Invitae Variant Classification Sherloc (09022015). Collection method: clinical testing. Allele origin: germline.
Comment: This sequence change replaces proline, which is neutral and non-polar, with serine, which is neutral and polar, at codon 2076 of the VPS13D protein (p.Pro2076Ser). This variant is present in population databases (rs767962860, gnomAD 0.005%). This variant has not been reported in the literature in individuals affected with VPS13D-related conditions. ClinVar contains an entry for this variant (Variation ID: 3666203). Invitae Evidence Modeling of protein sequence and biophysical properties (such as structural, functional, and spatial information, amino acid conservation, physicochemical variation, residue mobility, and thermodynamic stability) indicates that this missense variant is not expected to disrupt VPS13D protein function with a negative predictive value of 80%. In summary, the available evidence is currently insufficient to determine the role of this variant in disease. Therefore, it has been classified as a Variant of Uncertain Significance.

NM_015378.4(VPS13D):c.6226C>T (p.Pro2076Ser)

Gene: VPS13D (vacuolar protein sorting 13 homolog D; plus strand). Cytogenetic location: 1p36.22.
Variant type: single nucleotide variant.
Coding change: c.6226C>T on transcript NM_015378.4 (MANE Select); coding-DNA position 6226, C replaced by T.
Protein change: p.Pro2076Ser; replaces proline 2076 with serine.
Molecular consequence: missense variant.
Genome position (GRCh38, 1-based): chr1:12,304,515, C>T. VCF-style: chr1-12304515-C-T. GRCh37 (hg19) VCF-style: chr1-12364572-C-T.
Other names: c.6226C>T, p.Pro2076Ser (NM_018156.4); short protein forms P2076S.
Identifiers: ClinVar variation 3666203 (VCV003666203.2).